The following is an entry in ClinVar:

ClinVar aggregate classification (germline): Benign/Likely benign. Review status: criteria provided, multiple submitters, no conflicts (2 of 4 stars). 13 submissions from 13 submitters: Benign (9); Likely benign (1). 3 of the submissions do not count toward it. Last evaluated 2026-02-04.

Conditions:
Collagen 6-related myopathy. Identifiers: MedGen CN117976, MONDO:0100225.
Bethlem myopathy 1A. Also called: MYOPATHY, BENIGN CONGENITAL, WITH CONTRACTURES; Bethlem Muscular Dystrophy; Bethlem myopathy 1. Identifiers: Orphanet 610, MedGen CN029274, MONDO:0024530, OMIM 158810.

Allele frequency attached by ClinVar (database versions not stated): gnomAD 0.10531 and 0.10598; TOPMed 0.10795; 1000 Genomes Project 0.10843; ExAC 0.10850; 1000 Genomes Project 30x 0.11087; gnomAD exomes 0.11289 and 0.10422; ESP Exome Variant Server 0.10042.
gnomAD v4.1: 168,407 of 1,614,070 alleles (10%); highest among the groups gnomAD compares: Admixed American, 17%; 9,107 homozygotes.

Submissions (13):

Labcorp Genetics (formerly Invitae), Labcorp
Classification: Benign for Bethlem myopathy 1A. Last evaluated: 2026-02-04. Review status: criteria provided, single submitter. Criteria: Invitae Variant Classification Sherloc (09022015). Collection method: clinical testing. Allele origin: germline.

Blueprint Genetics
Classification: Likely benign. Last evaluated: 2024-11-26. Review status: criteria provided, single submitter. Criteria: ACMG Guidelines, 2015. Collection method: clinical testing. Allele origin: germline.

Unidad de Genómica Garrahan, Hospital de Pediatría Garrahan
Classification: Benign. Last evaluated: 2024-07-31. Review status: criteria provided, single submitter. Criteria: ACMG Guidelines, 2015. Collection method: clinical testing. Allele origin: germline. Affected: no. Observed: 35 variant alleles.
Comment: This variant is classified as Benign based on local population frequency. This variant was detected in 38% of patients studied in a panel designed for Epileptic and Developmental Encephalopathy, Progressive Myoclonus Epilepsy and Abnormal Movements and Neurodegeneration with brain iron accumulation. Number of patients: 35. Only high quality variants are reported.

Athena Diagnostics
Classification: Benign. Last evaluated: 2021-06-22. Review status: criteria provided, single submitter. Criteria: Athena Diagnostics Criteria. Collection method: clinical testing. Allele origin: unknown.

Illumina Laboratory Services, Illumina
Classification: Benign for Collagen VI-related myopathy. Last evaluated: 2018-01-13. Review status: criteria provided, single submitter. Criteria: ICSL Variant Classification Criteria 13 December 2019. Collection method: clinical testing. Allele origin: germline.
Comment: This variant was observed in the ICSL laboratory as part of a predisposition screen in an ostensibly healthy population. It had not been previously curated by ICSL or reported in the Human Gene Mutation Database (HGMD: prior to June 1st, 2018), and was therefore a candidate for classification through an automated scoring system. Utilizing variant allele frequency, disease prevalence and penetrance estimates, and inheritance mode, an automated score was calculated to assess if this variant is too frequent to cause the disease. Based on the score and internal cut-off values, a variant classified as benign is not then subjected to further curation. The score for this variant resulted in a classification of benign for this disease.

Mayo Clinic Laboratories, Mayo Clinic
Classification: Benign. Last evaluated: 2017-07-19. Review status: criteria provided, single submitter. Criteria: ACMG Guidelines, 2015. Collection method: clinical testing. Allele origin: germline. Observed: 165 variant alleles.

GeneDx
Classification: Benign. Last evaluated: 2015-03-03. Review status: criteria provided, single submitter. Criteria: GeneDx Variant Classification Process June 2021. Collection method: clinical testing. Allele origin: germline. Affected: yes.

Eurofins Ntd Llc (ga)
Classification: Benign. Last evaluated: 2012-07-31. Review status: criteria provided, single submitter. Criteria: EGL Classification Definitions 2015. Collection method: clinical testing. Allele origin: germline. Observed: 20 variant alleles, 19 heterozygotes, 1 homozygote.

Breakthrough Genomics
Classification: Benign. Review status: criteria provided, single submitter. Criteria: ACMG Guidelines, 2015. Collection method: not provided. Allele origin: germline. Inheritance: Autosomal recessive inheritance. Affected: yes.

PreventionGenetics, part of Exact Sciences
Classification: Benign. Review status: criteria provided, single submitter. Criteria: ACMG Guidelines, 2015. Collection method: clinical testing. Allele origin: germline.

Clinical Genetics, Academic Medical Center
Classification: Benign. Review status: no assertion criteria provided. Collection method: clinical testing. Allele origin: germline. Affected: yes. Study: VKGL Data-share Consensus. Not counted in ClinVar's aggregate classification.

Genetic Services Laboratory, University of Chicago
Classification: Likely benign for AllHighlyPenetrant. Review status: no assertion criteria provided. Collection method: clinical testing. Allele origin: germline. Not counted in ClinVar's aggregate classification.
Comment: Likely benign based on allele frequency in 1000 Genomes Project or ESP global frequency and its presence in a patient with a rare or unrelated disease phenotype. NOT Sanger confirmed.

Joint Genome Diagnostic Labs from Nijmegen and Maastricht, Radboudumc and MUMC+
Classification: Benign. Review status: no assertion criteria provided. Collection method: clinical testing. Allele origin: germline. Affected: yes. Study: VKGL Data-share Consensus. Not counted in ClinVar's aggregate classification.

NM_004369.4(COL6A3):c.7512C>T (p.Asn2504=)

Gene: COL6A3 (collagen type VI alpha 3 chain; minus strand). Cytogenetic location: 2q37.3.
Variant type: single nucleotide variant.
Coding change: c.7512C>T on transcript NM_004369.4 (MANE Select); coding-DNA position 7512, C replaced by T.
Protein change: p.Asn2504=; no amino-acid change (asparagine 2504 retained).
Molecular consequence: synonymous variant.
Genome position (GRCh38, 1-based): chr2:237,344,506, G>A on the plus strand (C>T on the coding strand, the complement: COL6A3 is on the minus strand). VCF-style: chr2-237344506-G-A. GRCh37 (hg19) VCF-style: chr2-238253149-G-A.
Other names: p.Asn2504=; c.5691C>T, p.Asn1897= (NM_057166.5); c.6894C>T, p.Asn2298= (NM_057167.4).
Identifiers: ClinVar variation 94989 (VCV000094989.32), dbSNP rs2646258, ClinGen allele CA148033.